The following is an entry in ClinVar:

NM_000891.3(KCNJ2):c.326T>C (p.Leu109Pro)

Gene: KCNJ2 (potassium inwardly rectifying channel subfamily J member 2; plus strand). Cytogenetic location: 17q24.3.
Variant type: single nucleotide variant.
Coding change: c.326T>C on transcript NM_000891.3 (MANE Select); coding-DNA position 326, T replaced by C.
Protein change: p.Leu109Pro; replaces leucine 109 with proline.
Molecular consequence: missense variant.
Genome position (GRCh38, 1-based): chr17:70,175,365, T>C. VCF-style: chr17-70175365-T-C. GRCh37 (hg19) VCF-style: chr17-68171506-T-C.
Other names: short protein forms L109P.
Identifiers: ClinVar variation 566054 (VCV000566054.8), dbSNP rs1567822991, ClinGen allele CA400860354.
Genomic context (GRCh38, chr17:70,175,365, plus strand): 5'-GCCTGGCTTTCGTCCTGTCATGGCTGTTTTTTGGCTGTGTGTTTTGGTTGATAGCTCTGC[T>C]CCATGGGGACCTGGATGCATCCAAAGAGGGCAAAGCTTGTGTGTCCGAGGTCAACAGCTT-3'
Protein context (NP_000882.1, residues 99-119): FGCVFWLIAL[Leu109Pro]HGDLDASKEG

ClinVar aggregate classification (germline): Uncertain significance (1 of 4 stars; one submission).

Conditions:
Andersen Tawil syndrome (LQT7). Also called: ANDERSEN CARDIODYSRHYTHMIC PERIODIC PARALYSIS; Andersen Syndrome; PERIODIC PARALYSIS, POTASSIUM-SENSITIVE CARDIODYSRHYTHMIC TYPE; Potassium-sensitive periodic paralysis, ventricular ectopy, and dysmorphic features; LONG QT SYNDROME 7. Identifiers: Orphanet 37553, MedGen C1563715, MONDO:0008222, OMIM 170390.
Short QT syndrome type 3. Identifiers: Orphanet 51083, MedGen C1865018, MONDO:0012314, OMIM 609622.

Submission:

Labcorp Genetics (formerly Invitae), Labcorp
Classification: Uncertain significance for Short QT syndrome type 3; Andersen Tawil syndrome. Last evaluated: 2018-03-06. Review status: criteria provided, single submitter. Criteria: Invitae Variant Classification Sherloc (09022015). Collection method: clinical testing. Allele origin: germline.
Comment: This variant is not present in population databases (ExAC no frequency). In summary, the available evidence is currently insufficient to determine the role of this variant in disease. Therefore, it has been classified as a Variant of Uncertain Significance. Algorithms developed to predict the effect of missense changes on protein structure and function do not agree on the potential impact of this missense change (SIFT: "Tolerated"; PolyPhen-2: "Possibly Damaging"; Align-GVGD: "Class C0"). This variant has not been reported in the literature in individuals with KCNJ2-related disease. This sequence change replaces leucine with proline at codon 109 of the KCNJ2 protein (p.Leu109Pro). The leucine residue is highly conserved and there is a moderate physicochemical difference between leucine and proline.